The following is an entry in ClinVar:

NM_000051.4(ATM):c.922T>C (p.Trp308Arg)

Gene: ATM (ATM serine/threonine kinase; plus strand). Cytogenetic location: 11q22.3.
Variant type: single nucleotide variant.
Coding change: c.922T>C on transcript NM_000051.4 (MANE Select); coding-DNA position 922, T replaced by C.
Protein change: p.Trp308Arg; replaces tryptophan 308 with arginine.
Molecular consequence: missense variant.
Genome position (GRCh38, 1-based): chr11:108,246,984, T>C. VCF-style: chr11-108246984-T-C. GRCh37 (hg19) VCF-style: chr11-108117711-T-C.
Other names: c.922T>C, p.Trp308Arg (NM_001351834.2); c.922T>C (NM_000051.3); short protein forms W308R.
Identifiers: ClinVar variation 1015253 (VCV001015253.9), dbSNP rs2079878501, ClinGen allele CA382530583.
Genomic context (GRCh38, chr11:108,246,984, plus strand): 5'-TACATACATAAAAATTACATTTTAATTTTTTGGATTACAGGTGCTTATGAATCAACAAAA[T>C]GGAGAAGTATTTTATACAACTTATATGATCTGCTAGTGAATGAGATAAGTCATATAGGAA-3'
Protein context (NP_000042.3, residues 298-318): QEKGAYESTK[Trp308Arg]RSILYNLYDL

ClinVar aggregate classification (germline): Uncertain significance. Review status: criteria provided, multiple submitters, no conflicts (2 of 4 stars). 3 submissions from 3 submitters: Uncertain significance (3). Last evaluated 2025-08-14.

Conditions:
Hereditary cancer-predisposing syndrome. Also called: Tumor predisposition; Hereditary Cancer Syndrome; Neoplastic Syndromes, Hereditary; Hereditary neoplastic syndrome. Identifiers: Orphanet 140162, MedGen C0027672, MeSH D009386, MONDO:0015356.
Ataxia-telangiectasia syndrome (AT). Also called: Cerebello-oculocutaneous telangiectasia; Immunodeficiency with ataxia telangiectasia; ATAXIA-TELANGIECTASIA, COMPLEMENTATION GROUP A; ATAXIA-TELANGIECTASIA, FRESNO VARIANT; LOUIS-BAR SYNDROME; Ataxia-telangiectasia, complementation group E. Identifiers: Orphanet 100, MedGen C0004135, MONDO:0008840, OMIM 208900.

Submissions (3):

Color Diagnostics, LLC DBA Color Health
Classification: Uncertain significance for Hereditary cancer-predisposing syndrome. Last evaluated: 2025-08-14. Review status: criteria provided, single submitter. Criteria: ACMG Guidelines, 2015. Collection method: clinical testing. Allele origin: germline.
Comment: This missense variant replaces tryptophan with arginine at codon 308 of the ATM protein. Computational prediction suggests that this variant may have deleterious impact on protein structure and function. To our knowledge, functional studies have not been reported for this variant. This variant has not been reported in individuals affected with ATM-related disorders in the literature. This variant has not been identified in the general population by the Genome Aggregation Database (gnomAD). The available evidence is insufficient to determine the role of this variant in disease conclusively. Therefore, this variant is classified as a Variant of Uncertain Significance.

Labcorp Genetics (formerly Invitae), Labcorp
Classification: Uncertain significance for Ataxia-telangiectasia syndrome. Last evaluated: 2024-09-30. Review status: criteria provided, single submitter. Criteria: Invitae Variant Classification Sherloc (09022015). Collection method: clinical testing. Allele origin: germline.
Comment: This sequence change replaces tryptophan, which is neutral and slightly polar, with arginine, which is basic and polar, at codon 308 of the ATM protein (p.Trp308Arg). This variant is not present in population databases (gnomAD no frequency). This variant has not been reported in the literature in individuals affected with ATM-related conditions. ClinVar contains an entry for this variant (Variation ID: 1015253). An algorithm developed to predict the effect of missense changes on protein structure and function (PolyPhen-2) suggests that this variant is likely to be disruptive. In summary, the available evidence is currently insufficient to determine the role of this variant in disease. Therefore, it has been classified as a Variant of Uncertain Significance.

Ambry Genetics
Classification: Uncertain significance for Hereditary cancer-predisposing syndrome. Last evaluated: 2024-03-10. Review status: criteria provided, single submitter. Criteria: Ambry Variant Classification Scheme 2023. Collection method: clinical testing. Allele origin: germline.
Comment: The p.W308R variant (also known as c.922T>C), located in coding exon 7 of the ATM gene, results from a T to C substitution at nucleotide position 922. The tryptophan at codon 308 is replaced by arginine, an amino acid with dissimilar properties. This amino acid position is conserved. In addition, this alteration is predicted to be deleterious by in silico analysis. Based on the available evidence, the clinical significance of this alteration remains unclear.